The following is an entry in ClinVar:

ClinVar aggregate classification (germline): Pathogenic (1 of 4 stars; one submission).

Submission:

GeneDx
Classification: Pathogenic. Last evaluated: 2024-11-26. Review status: criteria provided, single submitter. Criteria: GeneDx Variant Classification Process June 2021. Collection method: clinical testing. Allele origin: germline. Affected: yes.
Comment: Canonical splice site variant predicted to result in a null allele in a gene for which loss of function is a known mechanism of disease; Not observed at significant frequency in large population cohorts (gnomAD); Has not been previously published as pathogenic or benign to our knowledge; This variant is associated with the following publications: (PMID: 36368308)

NM_057175.5(NAA15):c.691+1G>T

Gene: NAA15 (N-alpha-acetyltransferase 15, NatA auxiliary subunit; plus strand). Cytogenetic location: 4q31.1.
Variant type: single nucleotide variant.
Coding change: c.691+1G>T on transcript NM_057175.5 (MANE Select); the canonical splice donor site of the intron after coding-DNA position 691, G replaced by T.
Molecular consequence: splice donor variant.
Genome position (GRCh38, 1-based): chr4:139,344,340, G>T. VCF-style: chr4-139344340-G-T. GRCh37 (hg19) VCF-style: chr4-140265494-G-T.
Other names: c.691+1G>T (NM_001410842.1).
Identifiers: ClinVar variation 3900341 (VCV003900341.1).
Genomic context (GRCh38, chr4:139,344,340, plus strand): 5'-AACATCTTTGTACCTATGAAAAGCAGATTTGTGATAAACTTGCTGTAGAAGAAACCAAAG[G>T]TATTTTTAAAAGAATTGTCATTTATTCTAATATTGAAATATGACAGAGCAAGGCTGAAAA-3'